The following is an entry in ClinVar:

ClinVar aggregate classification (germline): Uncertain significance (1 of 4 stars; one submission).

Allele frequency attached by ClinVar (database versions not stated): TOPMed below 0.00001; ExAC 0.00001; gnomAD 0.00001; ESP Exome Variant Server 0.00008.
gnomAD v4.1: 3 of 1,613,982 alleles (0.00019%); highest among the groups gnomAD compares: African/African-American, 0.004%; no homozygotes.

Submission:

Labcorp Genetics (formerly Invitae), Labcorp
Classification: Uncertain significance. Last evaluated: 2022-05-14. Review status: criteria provided, single submitter. Criteria: Invitae Variant Classification Sherloc (09022015). Collection method: clinical testing. Allele origin: germline.
Comment: This variant has not been reported in the literature in individuals affected with AGBL5-related conditions. In summary, the available evidence is currently insufficient to determine the role of this variant in disease. Therefore, it has been classified as a Variant of Uncertain Significance. Algorithms developed to predict the effect of missense changes on protein structure and function (SIFT, PolyPhen-2, Align-GVGD) all suggest that this variant is likely to be tolerated. This variant is present in population databases (rs368664812, gnomAD 0.007%). This sequence change replaces valine, which is neutral and non-polar, with leucine, which is neutral and non-polar, at codon 579 of the AGBL5 protein (p.Val579Leu).

NM_021831.6(AGBL5):c.1735G>C (p.Val579Leu)

Gene: AGBL5 (AGBL carboxypeptidase 5; plus strand). Cytogenetic location: 2p23.3.
Variant type: single nucleotide variant.
Coding change: c.1735G>C on transcript NM_021831.6 (MANE Select); coding-DNA position 1735, G replaced by C.
Protein change: p.Val579Leu; replaces valine 579 with leucine.
Molecular consequence: missense variant. On other transcripts: non-coding transcript variant (2).
Genome position (GRCh38, 1-based): chr2:27,058,463, G>C. VCF-style: chr2-27058463-G-C. GRCh37 (hg19) VCF-style: chr2-27281331-G-C.
Other names: c.1735G>C, p.Val579Leu (NM_001035506.1, NM_001035507.3); short protein forms V579L.
Identifiers: ClinVar variation 1994317 (VCV001994317.4), dbSNP rs368664812, ClinGen allele CA1567953.